The following is an entry in ClinVar:

NC_012920.1(MT-CO2):m.7805G>A

Gene: MT-CO2 (mitochondrially encoded cytochrome c oxidase II; plus strand).
Variant type: single nucleotide variant.
Genome position: chrM-7805-G-A.
Identifiers: ClinVar variation 692779 (VCV000692779.1), dbSNP rs879119797, ClinGen allele CA337097704.

ClinVar aggregate classification (germline): Benign (1 of 4 stars; one submission).

Conditions:
Leigh syndrome (NULS). Also called: Leigh's necrotizing encephalopathy; Leigh's disease; Leigh Syndrome (mtDNA deletion); Leigh Disease; Subacute necrotizing encephalopathy; Necrotizing encephalopathy infantile subacute of Leigh. Identifiers: Orphanet 506, MedGen C2931891, MONDO:0009723, OMIM 256000.

Submission:

Wong Mito Lab, Molecular and Human Genetics, Baylor College of Medicine
Classification: Benign for Leigh syndrome. Last evaluated: 2019-10-17. Review status: criteria provided, single submitter. Criteria: Modified ACMG Guidelines (Unpublished). Collection method: clinical testing. Allele origin: germline.
Comment: The NC_012920.1:m.7805G>A (YP_003024029.1:p.Val74Ile) variant in MTCO2 gene is interpretated to be a Benign variant based on the modified ACMG guidelines (unpublished). This variant meets the following evidence codes: BA1